The following is an entry in ClinVar:

ClinVar aggregate classification (germline): Uncertain significance (1 of 4 stars; one submission).

Conditions:
Chédiak-Higashi syndrome (CHS). Also called: Chediak-Higashi Syndrome. Identifiers: Orphanet 167, MedGen C0007965, MONDO:0008963, OMIM 214500.

Allele frequency attached by ClinVar (database versions not stated): gnomAD exomes below 0.00001.
gnomAD v4.1: 1 of 1,613,172 alleles (0.000062%); highest among the groups gnomAD compares: Non-Finnish European, 0.000085%; no homozygotes.

Submission:

Labcorp Genetics (formerly Invitae), Labcorp
Classification: Uncertain significance for Chédiak-Higashi syndrome. Last evaluated: 2022-10-25. Review status: criteria provided, single submitter. Criteria: Invitae Variant Classification Sherloc (09022015). Collection method: clinical testing. Allele origin: germline.
Comment: In summary, the available evidence is currently insufficient to determine the role of this variant in disease. Therefore, it has been classified as a Variant of Uncertain Significance. Advanced modeling of protein sequence and biophysical properties (such as structural, functional, and spatial information, amino acid conservation, physicochemical variation, residue mobility, and thermodynamic stability) performed at Invitae indicates that this missense variant is not expected to disrupt LYST protein function. This variant has not been reported in the literature in individuals affected with LYST-related conditions. This variant is present in population databases (no rsID available, gnomAD 0.0009%). This sequence change replaces serine, which is neutral and polar, with asparagine, which is neutral and polar, at codon 2059 of the LYST protein (p.Ser2059Asn).

NM_000081.4(LYST):c.6176G>A (p.Ser2059Asn)

Gene: LYST (lysosomal trafficking regulator; minus strand). Cytogenetic location: 1q42.3.
Variant type: single nucleotide variant.
Coding change: c.6176G>A on transcript NM_000081.4 (MANE Select); coding-DNA position 6176, G replaced by A.
Protein change: p.Ser2059Asn; replaces serine 2059 with asparagine.
Molecular consequence: missense variant.
Genome position (GRCh38, 1-based): chr1:235,762,797, C>T on the plus strand (G>A on the coding strand, the complement: LYST is on the minus strand). VCF-style: chr1-235762797-C-T. GRCh37 (hg19) VCF-style: chr1-235926097-C-T.
Other names: c.6176G>A, p.Ser2059Asn (NM_001301365.1); short protein forms S2059N.
Identifiers: ClinVar variation 1720408 (VCV001720408.6), dbSNP rs549373796, ClinGen allele CA344945182.